The following is an entry in ClinVar:

NM_015122.3(FCHO1):c.233C>T (p.Ser78Leu)

Gene: FCHO1 (FCH and mu domain containing endocytic adaptor 1; plus strand). Cytogenetic location: 19p13.11.
Variant type: single nucleotide variant.
Coding change: c.233C>T on transcript NM_015122.3 (MANE Select); coding-DNA position 233, C replaced by T.
Protein change: p.Ser78Leu; replaces serine 78 with leucine.
Molecular consequence: missense variant. On other transcripts: non-coding transcript variant (34).
Genome position (GRCh38, 1-based): chr19:17,766,707, C>T. VCF-style: chr19-17766707-C-T. GRCh37 (hg19) VCF-style: chr19-17877516-C-T.
Other names: c.233C>T, p.Ser78Leu (NM_001161357.2, NM_001161358.2, NM_001384370.1 and 29 more transcripts); c.83C>T, p.Ser28Leu (NM_001161359.2, NM_001384384.1, NM_001384385.1 and 3 more transcripts); c.158C>T, p.Ser53Leu (NM_001384390.1); short protein forms S53L, S78L, S28L.
Identifiers: ClinVar variation 1430382 (VCV001430382.5), dbSNP rs2089309614, ClinGen allele CA404748164.

ClinVar aggregate classification (germline): Uncertain significance (1 of 4 stars; one submission).

Allele frequency attached by ClinVar (database versions not stated): gnomAD exomes below 0.00001; gnomAD 0.00001; TOPMed 0.00001.
gnomAD v4.1: 9 of 1,614,064 alleles (0.00056%); highest among the groups gnomAD compares: Non-Finnish European, 0.00051%; no homozygotes.

Submission:

Labcorp Genetics (formerly Invitae), Labcorp
Classification: Uncertain significance. Last evaluated: 2023-11-28. Review status: criteria provided, single submitter. Criteria: Invitae Variant Classification Sherloc (09022015). Collection method: clinical testing. Allele origin: germline.
Comment: This sequence change replaces serine, which is neutral and polar, with leucine, which is neutral and non-polar, at codon 78 of the FCHO1 protein (p.Ser78Leu). This variant is not present in population databases (gnomAD no frequency). This variant has not been reported in the literature in individuals affected with FCHO1-related conditions. ClinVar contains an entry for this variant (Variation ID: 1430382). An algorithm developed to predict the effect of missense changes on protein structure and function (PolyPhen-2) suggests that this variant¬†is likely to be tolerated. In summary, the available evidence is currently insufficient to determine the role of this variant in disease. Therefore, it has been classified as a Variant of Uncertain Significance.